The following is an entry in ClinVar:

ClinVar aggregate classification (germline): Uncertain significance (1 of 4 stars; one submission).

Conditions:
Autosomal recessive limb-girdle muscular dystrophy type 2P. Also called: MUSCULAR DYSTROPHY-DYSTROGLYCANOPATHY, LIMB-GIRDLE, DAG1-RELATED; Limb-Girdle Muscular Dystrophy Type 9C; MUSCULAR DYSTROPHY, LIMB-GIRDLE, TYPE 2P. Identifiers: Orphanet 280333, MedGen C4511963, MONDO:0013440, OMIM 613818.
Muscular dystrophy-dystroglycanopathy (congenital with brain and eye anomalies), type A9. Also called: Muscular dystrophy-dystroglycanopathy (congenital with brain and eye anomalies), type a, 9; WALKER-WARBURG SYNDROME OR MUSCLE-EYE BRAIN DISEASE, DAG1-RELATED. Identifiers: Orphanet 370997, Orphanet 899, MedGen C4225291, MONDO:0014683, OMIM 616538.

Allele frequency attached by ClinVar (database versions not stated): gnomAD exomes below 0.00001.
gnomAD v4.1: 18 of 1,614,186 alleles (0.0011%); highest among the groups gnomAD compares: Non-Finnish European, 0.0015%; no homozygotes.

Submission:

Labcorp Genetics (formerly Invitae), Labcorp
Classification: Uncertain significance for Autosomal recessive limb-girdle muscular dystrophy type 2P; Muscular dystrophy-dystroglycanopathy (congenital with brain and eye anomalies), type A9. Last evaluated: 2022-09-01. Review status: criteria provided, single submitter. Criteria: Invitae Variant Classification Sherloc (09022015). Collection method: clinical testing. Allele origin: germline.
Comment: This variant has not been reported in the literature in individuals affected with DAG1-related conditions. This sequence change replaces aspartic acid, which is acidic and polar, with asparagine, which is neutral and polar, at codon 602 of the DAG1 protein (p.Asp602Asn). This variant is present in population databases (no rsID available, gnomAD 0.0009%). ClinVar contains an entry for this variant (Variation ID: 1392099). Algorithms developed to predict the effect of missense changes on protein structure and function are either unavailable or do not agree on the potential impact of this missense change (SIFT: "Deleterious"; PolyPhen-2: "Benign"; Align-GVGD: "Class C0"). In summary, the available evidence is currently insufficient to determine the role of this variant in disease. Therefore, it has been classified as a Variant of Uncertain Significance.

NM_004393.6(DAG1):c.1804G>A (p.Asp602Asn)

Gene: DAG1 (dystroglycan 1; plus strand). Cytogenetic location: 3p21.31.
Variant type: single nucleotide variant.
Coding change: c.1804G>A on transcript NM_004393.6 (MANE Select); coding-DNA position 1804, G replaced by A.
Protein change: p.Asp602Asn; replaces aspartic acid 602 with asparagine.
Molecular consequence: missense variant.
Genome position (GRCh38, 1-based): chr3:49,532,315, G>A. VCF-style: chr3-49532315-G-A. GRCh37 (hg19) VCF-style: chr3-49569748-G-A.
Other names: c.1804G>A, p.Asp602Asn (NM_001177638.3, NM_001177639.3, NM_001177642.3 and 9 more transcripts); short protein forms D602N.
Identifiers: ClinVar variation 1392099 (VCV001392099.5), dbSNP rs1447621250, ClinGen allele CA352796178.